The following is an entry in ClinVar:

NM_001042492.3(NF1):c.7256T>C (p.Leu2419Pro)

Gene: NF1 (neurofibromin 1; plus strand). Cytogenetic location: 17q11.2.
Variant type: single nucleotide variant.
Coding change: c.7256T>C on transcript NM_001042492.3 (MANE Select); coding-DNA position 7256, T replaced by C.
Protein change: p.Leu2419Pro; replaces leucine 2419 with proline.
Molecular consequence: missense variant.
Genome position (GRCh38, 1-based): chr17:31,349,186, T>C. VCF-style: chr17-31349186-T-C. GRCh37 (hg19) VCF-style: chr17-29676204-T-C.
Other names: c.7193T>C, p.Leu2398Pro (NM_000267.4); short protein forms L2398P, L2419P.
Identifiers: ClinVar variation 1757600 (VCV001757600.4), dbSNP rs2070075780, ClinGen allele CA399016784.
Genomic context (GRCh38, chr17:31,349,186, plus strand): 5'-GGCATCCTTCACCTGCTATTGTTGCAAGAACAGTCAGAATTTTACATACACTACTAACTC[T>C]GGTTAACAAACACAGAAATTGTGACAAATTTGAAGTGAATACACAGAGCGTGGCCTACTT-3'
Protein context (NP_001035957.1, residues 2409-2429): TVRILHTLLT[Leu2419Pro]VNKHRNCDKF

ClinVar aggregate classification (germline): Uncertain significance. Review status: criteria provided, multiple submitters, no conflicts (2 of 4 stars). 2 submissions from 2 submitters: Uncertain significance (2). Last evaluated 2024-10-30.

Conditions:
Neurofibromatosis, type 1 (NF1). Also called: Peripheral type neurofibromatosis; VON RECKLINGHAUSEN DISEASE; NEUROFIBROMATOSIS, TYPE I, SOMATIC; Neurofibromatosis, type I. Identifiers: Orphanet 636, MedGen C0027831, MONDO:0018975, OMIM 162200. Disease mechanism: loss of function.
Cardiovascular phenotype. Identifiers: MedGen CN230736.
Hereditary cancer-predisposing syndrome. Also called: Neoplastic Syndromes, Hereditary; Tumor predisposition; Hereditary neoplastic syndrome; Hereditary Cancer Syndrome. Identifiers: Orphanet 140162, MedGen C0027672, MeSH D009386, MONDO:0015356.

Submissions (2):

Labcorp Genetics (formerly Invitae), Labcorp
Classification: Uncertain significance for Neurofibromatosis, type 1. Last evaluated: 2024-10-30. Review status: criteria provided, single submitter. Criteria: Invitae Variant Classification Sherloc (09022015). Collection method: clinical testing. Allele origin: germline.
Comment: This sequence change replaces leucine, which is neutral and non-polar, with proline, which is neutral and non-polar, at codon 2398 of the NF1 protein (p.Leu2398Pro). This variant is not present in population databases (gnomAD no frequency). This variant has not been reported in the literature in individuals affected with NF1-related conditions. ClinVar contains an entry for this variant (Variation ID: 1757600). Invitae Evidence Modeling of protein sequence and biophysical properties (such as structural, functional, and spatial information, amino acid conservation, physicochemical variation, residue mobility, and thermodynamic stability) indicates that this missense variant is expected to disrupt NF1 protein function with a positive predictive value of 95%. In summary, the available evidence is currently insufficient to determine the role of this variant in disease. Therefore, it has been classified as a Variant of Uncertain Significance.

Ambry Genetics
Classification: Uncertain significance for Cardiovascular phenotype; Hereditary cancer-predisposing syndrome. Last evaluated: 2021-10-14. Review status: criteria provided, single submitter. Criteria: Ambry Variant Classification Scheme 2023. Collection method: clinical testing. Allele origin: germline.
Comment: The p.L2398P variant (also known as c.7193T>C), located in coding exon 48 of the NF1 gene, results from a T to C substitution at nucleotide position 7193. The leucine at codon 2398 is replaced by proline, an amino acid with similar properties. This amino acid position is highly conserved in available vertebrate species. In addition, the in silico prediction for this alteration is inconclusive. Since supporting evidence is limited at this time, the clinical significance of this alteration remains unclear.